The following is an entry in ClinVar:

NM_006033.4(LIPG):c.271G>A (p.Gly91Arg)

Gene: LIPG (lipase G, endothelial type; plus strand). Cytogenetic location: 18q21.1.
Variant type: single nucleotide variant.
Coding change: c.271G>A on transcript NM_006033.4 (MANE Select); coding-DNA position 271, G replaced by A.
Protein change: p.Gly91Arg; replaces glycine 91 with arginine.
Molecular consequence: missense variant.
Genome position (GRCh38, 1-based): chr18:49,565,490, G>A. VCF-style: chr18-49565490-G-A. GRCh37 (hg19) VCF-style: chr18-47091860-G-A.
Other names: c.271G>A, p.Gly91Arg (NM_001308006.2); short protein forms G91R.
Identifiers: ClinVar variation 2821724 (VCV002821724.3), dbSNP rs745486229, ClinGen allele CA8959030.

ClinVar aggregate classification (germline): Uncertain significance (1 of 4 stars; one submission).

Allele frequency attached by ClinVar (database versions not stated): gnomAD exomes below 0.00001; ExAC 0.00001; gnomAD 0.00001; TOPMed 0.00001.
gnomAD v4.1: 8 of 1,614,088 alleles (0.0005%); highest among the groups gnomAD compares: Admixed American, 0.0083%; no homozygotes.

Submission:

Labcorp Genetics (formerly Invitae), Labcorp
Classification: Uncertain significance. Last evaluated: 2022-11-23. Review status: criteria provided, single submitter. Criteria: Invitae Variant Classification Sherloc (09022015). Collection method: clinical testing. Allele origin: germline.
Comment: This variant has not been reported in the literature in individuals affected with LIPG-related conditions. This variant is present in population databases (rs745486229, gnomAD 0.009%). This sequence change replaces glycine, which is neutral and non-polar, with arginine, which is basic and polar, at codon 91 of the LIPG protein (p.Gly91Arg). Algorithms developed to predict the effect of missense changes on protein structure and function (SIFT, PolyPhen-2, Align-GVGD) all suggest that this variant is likely to be disruptive. In summary, the available evidence is currently insufficient to determine the role of this variant in disease. Therefore, it has been classified as a Variant of Uncertain Significance.